The following is an entry in ClinVar:

ClinVar aggregate classification (germline): Uncertain significance (1 of 4 stars; one submission).

Conditions:
Cardiovascular phenotype. Identifiers: MedGen CN230736.

gnomAD v4.1: 1 of 1,613,436 alleles (0.000062%); highest among the groups gnomAD compares: Non-Finnish European, 0.000085%; no homozygotes.

Submission:

Ambry Genetics
Classification: Uncertain significance for Cardiovascular phenotype. Last evaluated: 2025-01-28. Review status: criteria provided, single submitter. Criteria: Ambry Variant Classification Scheme 2023. Collection method: clinical testing. Allele origin: germline.
Comment: The p.T144S variant (also known as c.431C>G), located in coding exon 4 of the TBX5 gene, results from a C to G substitution at nucleotide position 431. The threonine at codon 144 is replaced by serine, an amino acid with similar properties. This amino acid position is conserved. In addition, the in silico prediction for this alteration is inconclusive. Based on the available evidence, the clinical significance of this variant remains unclear.

NM_181486.4(TBX5):c.431C>G (p.Thr144Ser)

Gene: TBX5 (T-box transcription factor 5; minus strand). Cytogenetic location: 12q24.21.
Variant type: single nucleotide variant.
Coding change: c.431C>G on transcript NM_181486.4 (MANE Select); coding-DNA position 431, C replaced by G.
Protein change: p.Thr144Ser; replaces threonine 144 with serine.
Molecular consequence: missense variant.
Genome position (GRCh38, 1-based): chr12:114,398,652, G>C on the plus strand (C>G on the coding strand, the complement: TBX5 is on the minus strand). VCF-style: chr12-114398652-G-C. GRCh37 (hg19) VCF-style: chr12-114836457-G-C.
Other names: c.431C>G, p.Thr144Ser (NM_000192.3); c.281C>G, p.Thr94Ser (NM_080717.4); short protein forms T144S, T94S.
Identifiers: ClinVar variation 3804933 (VCV003804933.1).